The following is an entry in ClinVar:

ClinVar aggregate classification (germline): Likely benign. Review status: criteria provided, multiple submitters, no conflicts (2 of 4 stars). 2 submissions from 2 submitters: Likely benign (2). Last evaluated 2026-06-02.

Conditions:
RLBP1-related disorder. Also called: RLBP1-related condition; RLBP1-related disorders. Identifiers: MedGen CN239413.

gnomAD v4.1: 2 of 1,614,190 alleles (0.00012%); highest among the groups gnomAD compares: South Asian, 0.0022%; no homozygotes.

Submissions (2):

PreventionGenetics, part of Exact Sciences
Classification: Likely benign for RLBP1-related condition. Last evaluated: 2026-06-02. Review status: criteria provided, single submitter. Criteria: ACMG Guidelines, 2015. Collection method: clinical testing. Allele origin: germline.
Comment: This variant is classified as likely benign based on ACMG/AMP sequence variant interpretation guidelines (Richards et al. 2015 PMID: 25741868, with internal and published modifications).

Labcorp Genetics (formerly Invitae), Labcorp
Classification: Likely benign. Last evaluated: 2022-04-16. Review status: criteria provided, single submitter. Criteria: Invitae Variant Classification Sherloc (09022015). Collection method: clinical testing. Allele origin: germline.

NM_000326.5(RLBP1):c.393G>T (p.Leu131=)

Gene: RLBP1 (retinaldehyde binding protein 1; minus strand). Cytogenetic location: 15q26.1.
Variant type: single nucleotide variant.
Coding change: c.393G>T on transcript NM_000326.5 (MANE Select); coding-DNA position 393, G replaced by T.
Protein change: p.Leu131=; no amino-acid change (leucine 131 retained).
Molecular consequence: synonymous variant.
Genome position (GRCh38, 1-based): chr15:89,215,192, C>A on the plus strand (G>T on the coding strand, the complement: RLBP1 is on the minus strand). VCF-style: chr15-89215192-C-A. GRCh37 (hg19) VCF-style: chr15-89758423-C-A.
Other names: c.393G>T (NM_000326.4).
Identifiers: ClinVar variation 2126772 (VCV002126772.5), dbSNP rs2051569692, ClinGen allele CA492077252.